The following is an entry in ClinVar:

NM_014324.6(AMACR):c.1084G>A (p.Glu362Lys)

Genes: AMACR (alpha-methylacyl-CoA racemase; minus strand), C1QTNF3-AMACR (C1QTNF3-AMACR readthrough (NMD candidate); minus strand). Cytogenetic location: 5p13.2.
Variant type: single nucleotide variant.
Coding change: c.1084G>A on transcript NM_014324.6 (MANE Select); coding-DNA position 1084, G replaced by A.
Protein change: p.Glu362Lys; replaces glutamic acid 362 with lysine.
Molecular consequence: missense variant. On other transcripts: non-coding transcript variant (1), 3 prime UTR variant (1).
Genome position (GRCh38, 1-based): chr5:33,989,158, C>T on the plus strand (G>A on the coding strand, the complement: AMACR is on the minus strand). VCF-style: chr5-33989158-C-T. GRCh37 (hg19) VCF-style: chr5-33989263-C-T.
Other names: c.1084G>A, p.Glu362Lys (NM_001167595.2); c.*326G>A (NM_203382.3); c.1084G>A (NM_014324.5); short protein forms E362K.
Identifiers: ClinVar variation 1400581 (VCV001400581.7), dbSNP rs774406448, ClinGen allele CA3225954.

ClinVar aggregate classification (germline): Conflicting classifications of pathogenicity. Review status: criteria provided, conflicting classifications (1 of 4 stars). 3 submissions from 3 submitters: Uncertain significance (2); Likely benign (1). Last evaluated 2024-01-22.

Conditions:
Alpha-methylacyl-CoA racemase deficiency (AMACRD). Also called: AMACR deficiency. Identifiers: Orphanet 79095, MedGen C3280428, MONDO:0013681, OMIM 614307. Disease mechanism: loss of function.
Inborn genetic diseases. Identifiers: MedGen C0950123, MeSH D030342.

Allele frequency attached by ClinVar (database versions not stated): gnomAD 0.00001; gnomAD exomes 0.00001 and 0.00005; ExAC 0.00003; TOPMed 0.00003.
gnomAD v4.1: 24 of 1,614,082 alleles (0.0015%); highest among the groups gnomAD compares: East Asian, 0.025%; no homozygotes.

Submissions (3):

Ambry Genetics
Classification: Uncertain significance for Inborn genetic diseases. Last evaluated: 2024-01-22. Review status: criteria provided, single submitter. Criteria: Ambry Variant Classification Scheme 2023. Collection method: clinical testing. Allele origin: germline.

Labcorp Genetics (formerly Invitae), Labcorp
Classification: Uncertain significance for Alpha-methylacyl-CoA racemase deficiency. Last evaluated: 2023-08-04. Review status: criteria provided, single submitter. Criteria: Invitae Variant Classification Sherloc (09022015). Collection method: clinical testing. Allele origin: germline.
Comment: This sequence change replaces glutamic acid, which is acidic and polar, with lysine, which is basic and polar, at codon 362 of the AMACR protein (p.Glu362Lys). This variant is present in population databases (rs774406448, gnomAD 0.06%). This variant has not been reported in the literature in individuals affected with AMACR-related conditions. ClinVar contains an entry for this variant (Variation ID: 1400581). Algorithms developed to predict the effect of missense changes on protein structure and function output the following: SIFT: "Not Available"; PolyPhen-2: "Benign"; Align-GVGD: "Not Available". The lysine amino acid residue is found in multiple mammalian species, which suggests that this missense change does not adversely affect protein function. In summary, the available evidence is currently insufficient to determine the role of this variant in disease. Therefore, it has been classified as a Variant of Uncertain Significance.

Blueprint Genetics
Classification: Likely benign. Last evaluated: 2022-08-09. Review status: criteria provided, single submitter. Criteria: ACMG Guidelines, 2015. Collection method: clinical testing. Allele origin: germline.